The following is an entry in ClinVar:

ClinVar aggregate classification (germline): Likely benign. Review status: criteria provided, multiple submitters, no conflicts (2 of 4 stars). 4 submissions from 4 submitters: Likely benign (4). Last evaluated 2026-04-16.

Conditions:
OFD1-related disorder. Also called: OFD1-related condition.
Joubert syndrome. Also called: Familial aplasia of the vermis; JOUBERT-BOLTSHAUSER SYNDROME. Identifiers: Orphanet 475, MedGen C5979921, MONDO:0018772.
Orofaciodigital syndrome I (OFD1). Also called: Papillon-Leage and Psaume Syndrome; Oral-Facial-Digital Syndrome Type I; OFDS I. Identifiers: Orphanet 2750, MedGen C1510460, MONDO:0010702, OMIM 311200.
Joubert syndrome 10 (JBTS10). Identifiers: Orphanet 2754, MedGen C2749019, MONDO:0010431, OMIM 300804.
Retinitis pigmentosa 23 (RP23). Identifiers: Orphanet 791, MedGen C1419610, MONDO:0010320, OMIM 300424.
Simpson-Golabi-Behmel syndrome type 2. Identifiers: Orphanet 79022, MedGen C1846175, MONDO:0010265, OMIM 300209.

Submissions (7):

PreventionGenetics, part of Exact Sciences
Classification: Likely benign for OFD1-related condition. Last evaluated: 2026-04-16. Review status: criteria provided, single submitter. Criteria: ACMG Guidelines, 2015. Collection method: clinical testing. Allele origin: germline.
Comment: This variant is classified as likely benign based on ACMG/AMP sequence variant interpretation guidelines (Richards et al. 2015 PMID: 25741868, with internal and published modifications).

Fulgent Genetics
Classification: Likely benign for Simpson-Golabi-Behmel syndrome type 2; Retinitis pigmentosa 23; Joubert syndrome 10; Orofaciodigital syndrome I. Last evaluated: 2024-06-15. Review status: criteria provided, single submitter. Criteria: ACMG Guidelines, 2015. Collection method: clinical testing. Allele origin: germline.

Labcorp Genetics (formerly Invitae), Labcorp
Classification: Likely benign for Orofaciodigital syndrome I; Joubert syndrome. Last evaluated: 2022-10-29. Review status: criteria provided, single submitter. Criteria: Invitae Variant Classification Sherloc (09022015). Collection method: clinical testing. Allele origin: germline.

Blueprint Genetics
Classification: Likely benign. Last evaluated: 2018-07-21. Review status: criteria provided, single submitter. Criteria: ACMG Guidelines, 2015. Collection method: clinical testing. Allele origin: germline.

Dr. Peter K. Rogan Lab, Western University
No classification provided (evidence only). Condition: Thyroid cancer, nonmedullary, 1. Review status: no classification provided. Collection method: in vitro. Allele origin: not applicable. Functional consequence: retained intron. Not counted in ClinVar's aggregate classification.

Dr. Peter K. Rogan Lab, Western University
No classification provided (evidence only). Condition: Thyroid cancer, nonmedullary, 1. Review status: no classification provided. Collection method: in vitro. Allele origin: not applicable. Functional consequence: retained intron. Not counted in ClinVar's aggregate classification.

Dr. Peter K. Rogan Lab, Western University
No classification provided (evidence only). Condition: Nonpapillary renal cell carcinoma. Review status: no classification provided. Collection method: in vitro. Allele origin: not applicable. Functional consequence: skipped exon. Not counted in ClinVar's aggregate classification.

NM_003611.3(OFD1):c.216C>T (p.Gly72=)

Gene: OFD1 (OFD1 centriole and centriolar satellite protein; plus strand). Cytogenetic location: Xp22.2.
Variant type: single nucleotide variant.
Coding change: c.216C>T on transcript NM_003611.3 (MANE Select); coding-DNA position 216, C replaced by T.
Protein change: p.Gly72=; no amino-acid change (glycine 72 retained).
Molecular consequence: synonymous variant. On other transcripts: 5 prime UTR variant (1).
Genome position (GRCh38, 1-based): chrX:13,736,582, C>T. VCF-style: chrX-13736582-C-T. GRCh37 (hg19) VCF-style: chrX-13754701-C-T.
Other names: c.216C>T, p.Gly72= (NM_001330209.2); c.-330C>T (NM_001330210.2); c.216C>T (NM_003611.2).
Identifiers: ClinVar variation 2932459 (VCV002932459.7), dbSNP rs369907022, ClinGen allele CA515462367.